The following is an entry in ClinVar:

NM_000179.3(MSH6):c.584T>A (p.Val195Asp)

Gene: MSH6 (mutS homolog 6; plus strand). Cytogenetic location: 2p16.3.
Variant type: single nucleotide variant.
Coding change: c.584T>A on transcript NM_000179.3 (MANE Select); coding-DNA position 584, T replaced by A.
Protein change: p.Val195Asp; replaces valine 195 with aspartic acid.
Molecular consequence: missense variant. On other transcripts: 5 prime UTR variant (1), intron variant (2).
Genome position (GRCh38, 1-based): chr2:47,796,020, T>A. VCF-style: chr2-47796020-T-A. GRCh37 (hg19) VCF-style: chr2-48023159-T-A.
Other names: c.-319T>A (NM_001281494.2); c.-279-2591T>A (NM_001281493.2); c.238-2591T>A (NM_001281492.2); short protein forms V195D.
Identifiers: ClinVar variation 490024 (VCV000490024.16), dbSNP rs1553411480, ClinGen allele CA346738819.
Genomic context (GRCh38, chr2:47,796,020, plus strand): 5'-CAATGCAACGTGCAGATGAAGCCTTAAATAAAGACAAGATTAAGAGGCTTGAATTGGCAG[T>A]TTGTGATGAGCCCTCAGAGCCAGAAGAGGAAGAAGAGATGGAGGTGGGACACGGCAAGCA-3'
Protein context (NP_000170.1, residues 185-205): KDKIKRLELA[Val195Asp]CDEPSEPEEE

ClinVar aggregate classification (germline): Uncertain significance. Review status: criteria provided, multiple submitters, no conflicts (2 of 4 stars). 3 submissions from 3 submitters: Uncertain significance (3). Last evaluated 2024-03-06.

Conditions:
Hereditary cancer-predisposing syndrome. Also called: Hereditary Cancer Syndrome; Neoplastic Syndromes, Hereditary; Tumor predisposition; Hereditary neoplastic syndrome. Identifiers: Orphanet 140162, MedGen C0027672, MeSH D009386, MONDO:0015356.
Hereditary nonpolyposis colorectal neoplasms. Identifiers: MedGen C0009405, MeSH D003123.

Submissions (3):

Color Diagnostics, LLC DBA Color Health
Classification: Uncertain significance for Hereditary cancer-predisposing syndrome. Last evaluated: 2024-03-06. Review status: criteria provided, single submitter. Criteria: ACMG Guidelines, 2015. Collection method: clinical testing. Allele origin: germline.
Comment: This missense variant replaces valine with aspartic acid at codon 195 of the MSH6 protein. Computational prediction suggests that this variant may not impact protein structure and function (internally defined REVEL score threshold <= 0.5, PMID: 27666373). To our knowledge, functional studies have not been reported for this variant. This variant has not been reported in individuals affected with hereditary cancer in the literature. This variant has not been identified in the general population by the Genome Aggregation Database (gnomAD). The available evidence is insufficient to determine the role of this variant in disease conclusively. Therefore, this variant is classified as a Variant of Uncertain Significance.

Ambry Genetics
Classification: Uncertain significance for Hereditary cancer-predisposing syndrome. Last evaluated: 2023-03-17. Review status: criteria provided, single submitter. Criteria: Ambry Variant Classification Scheme 2023. Collection method: clinical testing. Allele origin: germline.
Comment: The p.V195D variant (also known as c.584T>A), located in coding exon 3 of the MSH6 gene, results from a T to A substitution at nucleotide position 584. The valine at codon 195 is replaced by aspartic acid, an amino acid with highly dissimilar properties. This amino acid position is conserved. In addition, the in silico prediction for this alteration is inconclusive. Since supporting evidence is limited at this time, the clinical significance of this alteration remains unclear.

Labcorp Genetics (formerly Invitae), Labcorp
Classification: Uncertain significance for Hereditary nonpolyposis colorectal neoplasms. Last evaluated: 2020-06-24. Review status: criteria provided, single submitter. Criteria: Invitae Variant Classification Sherloc (09022015). Collection method: clinical testing. Allele origin: germline.
Comment: This variant is not present in population databases (ExAC no frequency). This sequence change replaces valine with aspartic acid at codon 195 of the MSH6 protein (p.Val195Asp). The valine residue is moderately conserved and there is a large physicochemical difference between valine and aspartic acid. This variant has not been reported in the literature in individuals with MSH6-related conditions. ClinVar contains an entry for this variant (Variation ID: 490024). Algorithms developed to predict the effect of missense changes on protein structure and function (SIFT, PolyPhen-2, Align-GVGD) all suggest that this variant is likely to be disruptive, but these predictions have not been confirmed by published functional studies and their clinical significance is uncertain. In summary, the available evidence is currently insufficient to determine the role of this variant in disease. Therefore, it has been classified as a Variant of Uncertain Significance.